The following is an entry in ClinVar:

ClinVar aggregate classification (germline): Uncertain significance (1 of 4 stars; one submission).

Conditions:
Hereditary cancer-predisposing syndrome. Also called: Neoplastic Syndromes, Hereditary; Tumor predisposition; Hereditary neoplastic syndrome; Hereditary Cancer Syndrome. Identifiers: Orphanet 140162, MedGen C0027672, MeSH D009386, MONDO:0015356.

Submission:

Ambry Genetics
Classification: Uncertain significance for Hereditary cancer-predisposing syndrome. Last evaluated: 2026-06-24. Review status: criteria provided, single submitter. Criteria: Ambry Variant Classification Scheme 2023. Collection method: clinical testing. Allele origin: germline.
Comment: The p.F1177L variant (also known as c.3529T>C), located in coding exon 9 of the BRCA1 gene, results from a T to C substitution at nucleotide position 3529. The phenylalanine at codon 1177 is replaced by leucine, an amino acid with highly similar properties. This amino acid position is conserved. In addition, this alteration is predicted to be deleterious by in silico analysis. Based on the available evidence, the clinical significance of this variant remains unclear.

NM_007294.4(BRCA1):c.3529T>C (p.Phe1177Leu)

Genes: BRCA1 (BRCA1 DNA repair associated; minus strand), LOC126862571 (BRD4-independent group 4 enhancer GRCh37_chr17:41243136-41244335; plus strand). Cytogenetic location: 17q21.31.
Variant type: single nucleotide variant.
Coding change: c.3529T>C on transcript NM_007294.4 (MANE Select); coding-DNA position 3529, T replaced by C.
Protein change: p.Phe1177Leu; replaces phenylalanine 1177 with leucine.
Molecular consequence: missense variant. On other transcripts: intron variant (135).
Genome position (GRCh38, 1-based): chr17:43,092,002, A>G on the plus strand (T>C on the coding strand, the complement: BRCA1 is on the minus strand). VCF-style: chr17-43092002-A-G. GRCh37 (hg19) VCF-style: chr17-41244019-A-G.
Other names: c.3526T>C, p.Phe1176Leu (NM_001407645.1, NM_001407587.1, NM_001407590.1 and 22 more transcripts); c.3520T>C, p.Phe1174Leu (NM_001407646.1, NM_001407647.1); c.3406T>C, p.Phe1136Leu (NM_001407648.1, NM_001407664.1, NM_001407919.1 and 19 more transcripts); c.3403T>C, p.Phe1135Leu (NM_001407649.1, NM_001407940.1, NM_001407941.1 and 11 more transcripts); c.3529T>C, p.Phe1177Leu (NM_001407652.1, NM_001407581.1, NM_001407582.1 and 30 more transcripts); c.3451T>C, p.Phe1151Leu (NM_001407653.1, NM_001407654.1, NM_001407655.1 and 4 more transcripts); c.3448T>C, p.Phe1150Leu (NM_001407659.1, NM_001407660.1, NM_001407661.1 and 1 more transcripts); c.647-970T>C (NM_001408469.1, NM_001408453.1, NM_001408461.1 and 11 more transcripts); and 41 more; short protein forms F1089L, F1109L, F1136L, F1176L, F309L, F881L, F1009L, F1066L.
Identifiers: ClinVar variation 5033165 (VCV005033165.1).